The following is an entry in ClinVar:

NM_015046.7(SETX):c.6843-4_6843-1delinsTA

Gene: SETX (senataxin; minus strand). Cytogenetic location: 9q34.13.
Variant type: Indel.
Coding change: c.6843-4_6843-1delinsTA on transcript NM_015046.7 (MANE Select); 4 bases into the intron before coding-DNA position 6843 through the canonical splice acceptor site of the intron before coding-DNA position 6843, ACAG replaced by TA.
Molecular consequence: splice acceptor variant.
Genome position (GRCh38, 1-based): chr9:132,277,153-132,277,156, CTGT replaced by TA on the plus strand (ACAG replaced by TA on the coding strand, the reverse complement: SETX is on the minus strand). VCF-style: chr9-132277153-CTGT-TA. GRCh37 (hg19) VCF-style: chr9-135152540-CTGT-TA.
Other names: c.6843-4_6843-1delinsTA (NM_001351528.2, NM_001351527.2).
Identifiers: ClinVar variation 4292522 (VCV004292522.1).

ClinVar aggregate classification (germline): Pathogenic (1 of 4 stars; one submission).

Conditions:
Spinocerebellar ataxia, autosomal recessive, with axonal neuropathy 2 (SCAN2). Also called: Ataxia-ocular apraxia-2; Ataxia with Oculomotor Apraxia; ATAXIA-OCULOMOTOR APRAXIA 2; Ataxia with Oculomotor Apraxia Type 2. Identifiers: Orphanet 64753, MedGen C1853761, MONDO:0018996, OMIM 606002.

Submission:

3billion
Classification: Pathogenic for Spinocerebellar ataxia, autosomal recessive, with axonal neuropathy 2. Last evaluated: 2024-07-30. Review status: criteria provided, single submitter. Criteria: ACMG Guidelines, 2015. Collection method: clinical testing. Allele origin: germline. Affected: yes.
Comment: The variant is observed at an extremely low frequency in the gnomAD v4.0.0 dataset (total allele frequency: <0.001%). Predicted Consequence/Location: Canonical splice site: predicted to alter splicing and result in a loss or disruption of normal protein function. Multiple pathogenic loss-of-function variants are reported downstream of the variant. In silico tools predict the variant to alter splicing and produce an abnormal transcript [SpliceAI: 0.99 (spliceogenicity >=0.2, non-spliceogenicity <0.1)]. Therefore, this variant is classified as Pathogenic according to the recommendation of ACMG/AMP guideline.